The following is an entry in ClinVar:

ClinVar aggregate classification (germline): Benign/Likely benign. Review status: criteria provided, multiple submitters, no conflicts (2 of 4 stars). 7 submissions from 7 submitters: Benign (3); Likely benign (4). Last evaluated 2026-06-17.

Conditions:
PDGFRA-related disorder. Also called: PDGFRA-related condition.
Polyps, multiple and recurrent inflammatory fibroid, gastrointestinal. Identifiers: MedGen C5193005, MONDO:0008285, OMIM 175510.
Hereditary cancer-predisposing syndrome. Also called: Tumor predisposition; Hereditary Cancer Syndrome; Neoplastic Syndromes, Hereditary; Hereditary neoplastic syndrome. Identifiers: Orphanet 140162, MedGen C0027672, MeSH D009386, MONDO:0015356.
Gastrointestinal stromal tumor. Also called: Gastrointestinal stromal tumor, somatic; Gastrointestinal stroma tumor. Identifiers: Orphanet 44890, MedGen C0238198, MeSH D046152, MONDO:0011719, OMIM 606764, HP:0100723.

Allele frequency attached by ClinVar (database versions not stated): gnomAD 0.00006 and 0.00007; ESP Exome Variant Server 0.00008; TOPMed 0.00012; ExAC 0.00013.

Submissions (7):

Myriad Genetics, Inc.
Classification: Benign for Polyps, multiple and recurrent inflammatory fibroid, gastrointestinal. Last evaluated: 2026-06-17. Review status: criteria provided, single submitter. Criteria: Myriad Autosomal Dominant, Autosomal Recessive and X-Linked Classification Criteria (2023). Collection method: clinical testing. Allele origin: unknown.
Comment: This variant is considered benign. This variant is a silent/synonymous amino acid change and it is not expected to impact splicing.

CeGaT Center for Human Genetics Tuebingen
Classification: Likely benign. Last evaluated: 2026-06-01. Review status: criteria provided, single submitter. Criteria: CeGaT Center For Human Genetics Tuebingen Variant Classification Criteria Version 2. Collection method: clinical testing. Allele origin: germline. Affected: yes. Observed: 1 variant allele.
Comment: PDGFRA: BP4, BP7

PreventionGenetics, part of Exact Sciences
Classification: Likely benign for PDGFRA-related condition. Last evaluated: 2026-04-28. Review status: criteria provided, single submitter. Criteria: ACMG Guidelines, 2015. Collection method: clinical testing. Allele origin: germline.
Comment: This variant is classified as likely benign based on ACMG/AMP sequence variant interpretation guidelines (Richards et al. 2015 PMID: 25741868, with internal and published modifications).

Labcorp Genetics (formerly Invitae), Labcorp
Classification: Benign for Gastrointestinal stromal tumor. Last evaluated: 2026-02-03. Review status: criteria provided, single submitter. Criteria: Invitae Variant Classification Sherloc (09022015). Collection method: clinical testing. Allele origin: germline.

Blueprint Genetics
Classification: Likely benign. Last evaluated: 2024-07-02. Review status: criteria provided, single submitter. Criteria: ACMG Guidelines, 2015. Collection method: clinical testing. Allele origin: germline.

Genetic Services Laboratory, University of Chicago
Classification: Benign. Last evaluated: 2021-03-19. Review status: criteria provided, single submitter. Criteria: ACMG Guidelines, 2015. Collection method: clinical testing. Allele origin: germline. Affected: no.

Ambry Genetics
Classification: Likely benign for Hereditary cancer-predisposing syndrome. Last evaluated: 2018-12-27. Review status: criteria provided, single submitter. Criteria: Ambry Variant Classification Scheme 2023. Collection method: clinical testing. Allele origin: germline.

NM_006206.6(PDGFRA):c.1296G>A (p.Thr432=)

Gene: PDGFRA (platelet derived growth factor receptor alpha; plus strand). Cytogenetic location: 4q12.
Variant type: single nucleotide variant.
Coding change: c.1296G>A on transcript NM_006206.6 (MANE Select); coding-DNA position 1296, G replaced by A.
Protein change: p.Thr432=; no amino-acid change (threonine 432 retained).
Molecular consequence: synonymous variant.
Genome position (GRCh38, 1-based): chr4:54,272,452, G>A. VCF-style: chr4-54272452-G-A. GRCh37 (hg19) VCF-style: chr4-55138619-G-A.
Other names: c.1296G>A, p.Thr432= (NM_001347827.2, NM_001347829.2); c.1371G>A, p.Thr457= (NM_001347828.2); c.1335G>A, p.Thr445= (NM_001347830.2).
Identifiers: ClinVar variation 240302 (VCV000240302.24), dbSNP rs374217334, ClinGen allele CA2922517.